The following is an entry in ClinVar:

ClinVar aggregate classification (germline): Pathogenic (1 of 4 stars; one submission).

Submission:

Quest Diagnostics Nichols Institute San Juan Capistrano
Classification: Pathogenic. Last evaluated: 2024-09-25. Review status: criteria provided, single submitter. Criteria: ACMG/ClinGen CNV Guidelines, 2019. Collection method: clinical testing. Allele origin: unknown.
Comment: The copy number loss of 12pterp13.32 involves at least 42 protein-coding genes and is associated with variable phenotypes (Fanizza 2014, Han 2021, Macdonald 2010, Mio 2020, Rooryck 2009, Thevenon 2013). ERC1, FBXL14, WNT5B, and CACNA1C, all involved in the current deletion, have been proposed as candidate genes for neurodevelopmental phenotypes (Abdelmoity 2011, Silva 2014). There are no similar copy number losses of this region in the general populations of the Database of Genomic Variants. Thus, based on current medical literature and gene content, this copy number variant (CNV) is interpreted as pathogenic. References: Abdelmoity et al., Eur J Med Genet. 2011 Mar-Apr;54(2):198-203. PMID: 21144913 Fanizza et al., Eur J Med Genet. 2014 Jul;57(7):334-8. PMID: 24780630 Han et al., Genes (Basel). 2021 Jun 29;12(7):1001. PMID: 34210021 Macdonald et al., Am J Med Genet A. 2010 Jun;152A(6):1561-6. PMID: 20503336 Mio et al., Eur J Med Genet. 2020 Apr;63(4):103843. PMID: 31953239 Rooryck et al., Eur J Med Genet. 2009 Nov-Dec;52(6):446-9. PMID: 19733267 Thevenon et al., Eur J Hum Genet. 2013 Jan;21(1):82-8. PMID: 22713806

GRCh37/hg19 12p13.33-13.32(chr12:191243-5332596)x1

Genes: ADIPOR2 (adiponectin receptor 2; plus strand), AKAP3 (A-kinase anchoring protein 3; minus strand), B4GALNT3 (beta-1,4-N-acetyl-galactosaminyltransferase 3; plus strand), CACNA1C (calcium voltage-gated channel subunit alpha1 C; plus strand), CACNA2D4 (calcium voltage-gated channel auxiliary subunit alpha2delta 4; minus strand) and 37 more. Cytogenetic location: 12p13.33-13.32.
Variant type: copy number loss.
Change: copy number 1 (one copy instead of two) of chr12:191,243-5,332,596 (5.14 Mb, GRCh37 coordinates, 1-based), cytogenetic band 12p13.33-13.32.
Identifiers: ClinVar variation 2685429 (VCV002685429.2).